The following is an entry in ClinVar:

NM_004700.4(KCNQ4):c.1075C>T (p.Arg359Trp)

Gene: KCNQ4 (potassium voltage-gated channel subfamily Q member 4; plus strand). Cytogenetic location: 1p34.2.
Variant type: single nucleotide variant.
Coding change: c.1075C>T on transcript NM_004700.4 (MANE Select); coding-DNA position 1075, C replaced by T.
Protein change: p.Arg359Trp; replaces arginine 359 with tryptophan.
Molecular consequence: missense variant.
Genome position (GRCh38, 1-based): chr1:40,822,347, C>T. VCF-style: chr1-40822347-C-T. GRCh37 (hg19) VCF-style: chr1-41288019-C-T.
Other names: c.1075C>T, p.Arg359Trp (NM_172163.3); short protein forms R359W.
Identifiers: ClinVar variation 2868064 (VCV002868064.4), dbSNP rs758101117, ClinGen allele CA794752.

ClinVar aggregate classification (germline): Uncertain significance. Review status: criteria provided, multiple submitters, no conflicts (2 of 4 stars). 2 submissions from 2 submitters: Uncertain significance (2). Last evaluated 2024-04-30.

Allele frequency attached by ClinVar (database versions not stated): ExAC 0.00001; gnomAD 0.00001; gnomAD exomes 0.00001; TOPMed 0.00001.
gnomAD v4.1: 11 of 1,472,438 alleles (0.00075%); highest among the groups gnomAD compares: South Asian, 0.0011%; no homozygotes.

Submissions (2):

Blueprint Genetics
Classification: Uncertain significance. Last evaluated: 2024-04-30. Review status: criteria provided, single submitter. Criteria: ACMG Guidelines, 2015. Collection method: clinical testing. Allele origin: germline.

Labcorp Genetics (formerly Invitae), Labcorp
Classification: Uncertain significance. Last evaluated: 2023-07-13. Review status: criteria provided, single submitter. Criteria: Invitae Variant Classification Sherloc (09022015). Collection method: clinical testing. Allele origin: germline.
Comment: This variant has not been reported in the literature in individuals affected with KCNQ4-related conditions. This variant is present in population databases (rs758101117, gnomAD 0.0009%). This sequence change replaces arginine, which is basic and polar, with tryptophan, which is neutral and slightly polar, at codon 359 of the KCNQ4 protein (p.Arg359Trp). Advanced modeling of protein sequence and biophysical properties (such as structural, functional, and spatial information, amino acid conservation, physicochemical variation, residue mobility, and thermodynamic stability) has been performed at Invitae for this missense variant, however the output from this modeling did not meet the statistical confidence thresholds required to predict the impact of this variant on KCNQ4 protein function. In summary, the available evidence is currently insufficient to determine the role of this variant in disease. Therefore, it has been classified as a Variant of Uncertain Significance.